The following is an entry in ClinVar:

NM_001034850.3(RETREG1):c.280C>G (p.Arg94Gly)

Genes: RETREG1 (reticulophagy regulator 1; minus strand), RETREG1-AS1 (RETREG1 antisense RNA 1; plus strand). Cytogenetic location: 5p15.1.
Variant type: single nucleotide variant.
Coding change: c.280C>G on transcript NM_001034850.3 (MANE Select); coding-DNA position 280, C replaced by G.
Protein change: p.Arg94Gly; replaces arginine 94 with glycine.
Molecular consequence: missense variant.
Genome position (GRCh38, 1-based): chr5:16,616,692, G>C on the plus strand (C>G on the coding strand, the complement: RETREG1 is on the minus strand). VCF-style: chr5-16616692-G-C. GRCh37 (hg19) VCF-style: chr5-16616801-G-C.
Other names: c.280C>G (NM_001034850.1); short protein forms R94G.
Identifiers: ClinVar variation 245845 (VCV000245845.6), dbSNP rs761526666, ClinGen allele CA3210524.

ClinVar aggregate classification (germline): Uncertain significance. Review status: criteria provided, multiple submitters, no conflicts (2 of 4 stars). 2 submissions from 2 submitters: Uncertain significance (2). Last evaluated 2022-02-03.

Conditions:
Inborn genetic diseases. Identifiers: MedGen C0950123, MeSH D030342.

Allele frequency attached by ClinVar (database versions not stated): gnomAD 0.00001; TOPMed 0.00001; gnomAD exomes 0.00002 and 0.00005; ExAC 0.00007.
gnomAD v4.1: 30 of 1,595,612 alleles (0.0019%); highest among the groups gnomAD compares: Non-Finnish European, 0.00017%; no homozygotes.

Submissions (2):

Ambry Genetics
Classification: Uncertain significance for Inborn genetic diseases. Last evaluated: 2022-02-03. Review status: criteria provided, single submitter. Criteria: Ambry Variant Classification Scheme 2023. Collection method: clinical testing. Allele origin: germline.

GeneDx
Classification: Uncertain significance. Last evaluated: 2021-10-25. Review status: criteria provided, single submitter. Criteria: GeneDx Variant Classification Process June 2021. Collection method: clinical testing. Allele origin: germline. Affected: yes.
Comment: In silico analysis supports that this missense variant does not alter protein structure/function; Has not been previously published as pathogenic or benign to our knowledge